The following is an entry in ClinVar:

ClinVar aggregate classification (germline): Uncertain significance (1 of 4 stars; one submission).

Conditions:
Charcot-Marie-Tooth disease axonal type 2O. Also called: CHARCOT-MARIE-TOOTH NEUROPATHY, AXONAL, TYPE 2O; CHARCOT-MARIE-TOOTH DISEASE, AXONAL, AUTOSOMAL DOMINANT, TYPE 2O; Charcot-Marie-Tooth Neuropathy Type 2O; Charcot-Marie-Tooth disease, axonal, type 20. Identifiers: Orphanet 284232, MedGen C3280220, MONDO:0013644, OMIM 614228.

gnomAD v4.1: 4 of 1,614,118 alleles (0.00025%); highest among the groups gnomAD compares: Non-Finnish European, 0.00034%; no homozygotes.

Submission:

Labcorp Genetics (formerly Invitae), Labcorp
Classification: Uncertain significance for Charcot-Marie-Tooth disease axonal type 2O. Last evaluated: 2024-07-25. Review status: criteria provided, single submitter. Criteria: Invitae Variant Classification Sherloc (09022015). Collection method: clinical testing. Allele origin: germline.
Comment: This sequence change replaces phenylalanine, which is neutral and non-polar, with leucine, which is neutral and non-polar, at codon 3496 of the DYNC1H1 protein (p.Phe3496Leu). This variant is not present in population databases (gnomAD no frequency). This missense change has been observed in individual(s) with Charcot-Marie-Tooth disease (PMID: 32376792). ClinVar contains an entry for this variant (Variation ID: 1483387). Advanced modeling of protein sequence and biophysical properties (such as structural, functional, and spatial information, amino acid conservation, physicochemical variation, residue mobility, and thermodynamic stability) performed at Invitae indicates that this missense variant is expected to disrupt DYNC1H1 protein function with a positive predictive value of 95%. In summary, the available evidence is currently insufficient to determine the role of this variant in disease. Therefore, it has been classified as a Variant of Uncertain Significance.

Literature cited by the submitters: PubMed 32376792.

NM_001376.5(DYNC1H1):c.10488C>G (p.Phe3496Leu)

Gene: DYNC1H1 (dynein cytoplasmic 1 heavy chain 1; plus strand). Cytogenetic location: 14q32.31.
Variant type: single nucleotide variant.
Coding change: c.10488C>G on transcript NM_001376.5 (MANE Select); coding-DNA position 10488, C replaced by G.
Protein change: p.Phe3496Leu; replaces phenylalanine 3496 with leucine.
Molecular consequence: missense variant.
Genome position (GRCh38, 1-based): chr14:102,034,050, C>G. VCF-style: chr14-102034050-C-G. GRCh37 (hg19) VCF-style: chr14-102500387-C-G.
Other names: short protein forms F3496L.
Identifiers: ClinVar variation 1483387 (VCV001483387.6), dbSNP rs2152592159, ClinGen allele CA391025876.